The following is an entry in ClinVar:

NM_000388.4(CASR):c.2303G>A (p.Gly768Asp)

Gene: CASR (calcium sensing receptor; plus strand). Cytogenetic location: 3q21.1.
Variant type: single nucleotide variant.
Coding change: c.2303G>A on transcript NM_000388.4 (MANE Select); coding-DNA position 2303, G replaced by A.
Protein change: p.Gly768Asp; replaces glycine 768 with aspartic acid.
Molecular consequence: missense variant.
Genome position (GRCh38, 1-based): chr3:122,284,257, G>A. VCF-style: chr3-122284257-G-A. GRCh37 (hg19) VCF-style: chr3-122003104-G-A.
Other names: c.2333G>A, p.Gly778Asp (NM_001178065.2); short protein forms G768D, G778D.
Identifiers: ClinVar variation 3756830 (VCV003756830.2).

ClinVar aggregate classification (germline): Uncertain significance (1 of 4 stars; one submission).

Conditions:
Familial hypocalciuric hypercalcemia (FHH). Also called: Familial benign hypercalcemia. Identifiers: Orphanet 405, MedGen C1809471, MONDO:0018458.
Autosomal dominant hypocalcemia 1 (HYPOC1). Also called: HYPOCALCEMIA, FAMILIAL. Identifiers: MedGen C3715128, MONDO:0011013, OMIM 601198.

Submission:

Labcorp Genetics (formerly Invitae), Labcorp
Classification: Uncertain significance for Familial hypocalciuric hypercalcemia; Autosomal dominant hypocalcemia 1. Last evaluated: 2024-06-15. Review status: criteria provided, single submitter. Criteria: Invitae Variant Classification Sherloc (09022015). Collection method: clinical testing. Allele origin: germline.
Comment: This sequence change replaces glycine, which is neutral and non-polar, with aspartic acid, which is acidic and polar, at codon 768 of the CASR protein (p.Gly768Asp). This variant is not present in population databases (gnomAD no frequency). This variant has not been reported in the literature in individuals affected with CASR-related conditions. An algorithm developed to predict the effect of missense changes on protein structure and function (PolyPhen-2) suggests that this variant is likely to be disruptive. In summary, the available evidence is currently insufficient to determine the role of this variant in disease. Therefore, it has been classified as a Variant of Uncertain Significance.